The following is an entry in ClinVar:

ClinVar aggregate classification (germline): Uncertain significance (1 of 4 stars; one submission).

Conditions:
Dilated cardiomyopathy 1JJ (CMD1JJ). Identifiers: Orphanet 154, MedGen C3808935, MONDO:0014095, OMIM 615235.

Submission:

Labcorp Genetics (formerly Invitae), Labcorp
Classification: Uncertain significance for Dilated cardiomyopathy 1JJ. Last evaluated: 2024-09-27. Review status: criteria provided, single submitter. Criteria: Invitae Variant Classification Sherloc (09022015). Collection method: clinical testing. Allele origin: germline.
Comment: This sequence change creates a premature translational stop signal (p.Ala298Profs*7) in the LAMA4 gene. It is expected to result in an absent or disrupted protein product. However, the current clinical and genetic evidence is not sufficient to establish whether loss-of-function variants in LAMA4 cause disease. This variant is not present in population databases (gnomAD no frequency). This variant has not been reported in the literature in individuals affected with LAMA4-related conditions. In summary, the available evidence is currently insufficient to determine the role of this variant in disease. Therefore, it has been classified as a Variant of Uncertain Significance.

NM_001105206.3(LAMA4):c.913del (p.Ala305fs)

Gene: LAMA4 (laminin subunit alpha 4; minus strand). Cytogenetic location: 6q21.
Variant type: Deletion.
Coding change: c.913del on transcript NM_001105206.3 (MANE Select); coding-DNA position 913, one base deleted (G; older notation c.913delG).
Protein change: p.Ala305fs; shifts the reading frame from alanine 305.
Molecular consequence: frameshift variant.
Genome position (GRCh38, 1-based): chr6:112,187,503, C deleted on the plus strand (G on the coding strand, the reverse complement: LAMA4 is on the minus strand); the first of 4 consecutive C bases (chr6:112,187,503-112,187,506); deleting any one gives the same sequence. VCF-style (leftmost placement, unchanged base first): chr6-112187502-GC-G. GRCh37 (hg19) VCF-style: chr6-112508704-GC-G.
Other names: c.892del, p.Ala298fs (NM_001105207.3, NM_002290.5); short protein forms A298fs, A305fs.
Identifiers: ClinVar variation 3721632 (VCV003721632.2).